The following is an entry in ClinVar:

ClinVar aggregate classification (germline): Uncertain significance (1 of 4 stars; one submission).

Conditions:
Neuromuscular disease. Also called: Neuromuscular disorder; Neuromyopathy. Identifiers: Orphanet 68381, MedGen C0027868, MeSH D009468, MONDO:0019056.

Submission:

Broad Center for Mendelian Genomics, Broad Institute of MIT and Harvard
Classification: Uncertain significance for Neuromuscular disease. Last evaluated: 2024-11-22. Review status: criteria provided, single submitter. Criteria: ACMG Guidelines, 2015. Collection method: curation. Allele origin: germline. Inheritance: Autosomal dominant inheritance. Study: GREGoR Consortium.
Comment: While this gene is still lacking sufficient evidence to establish a gene-disease relationship, we believe this is a possible novel gene candidate for neuromuscular disease. Given the limited information about this gene-disease relationship, the significance of the p.Gly576Glu variant is uncertain. If you have any additional information about functional evidence or other individuals with this phenotype that also have variants in MCTP1 we encourage you to reach out to us.

NM_024717.7(MCTP1):c.1727G>A (p.Gly576Glu)

Gene: MCTP1 (multiple C2 and transmembrane domain containing 1; minus strand). Cytogenetic location: 5q15.
Variant type: single nucleotide variant.
Coding change: c.1727G>A on transcript NM_024717.7 (MANE Select); coding-DNA position 1727, G replaced by A.
Protein change: p.Gly576Glu; replaces glycine 576 with glutamic acid.
Molecular consequence: missense variant. On other transcripts: intron variant (1).
Genome position (GRCh38, 1-based): chr5:94,894,761, C>T on the plus strand (G>A on the coding strand, the complement: MCTP1 is on the minus strand). VCF-style: chr5-94894761-C-T. GRCh37 (hg19) VCF-style: chr5-94230466-C-T.
Other names: NM_024717.7:c.1727G>A; c.1064G>A, p.Gly355Glu (NM_001002796.5, NM_001393538.1, NM_001393540.1 and 1 more transcripts); c.926G>A, p.Gly309Glu (NM_001297777.3, NM_001393542.1, NM_001393543.1 and 2 more transcripts); c.1649G>A, p.Gly550Glu (NM_001393535.1); c.1589G>A, p.Gly530Glu (NM_001393536.1); c.1550G>A, p.Gly517Glu (NM_001393537.1); c.986G>A, p.Gly329Glu (NM_001393539.1); c.932G>A, p.Gly311Glu (NM_001393541.1); and 5 more; short protein forms G294E, G296E, G309E, G311E, G316E, G322E, G329E, G355E.
Identifiers: ClinVar variation 3383281 (VCV003383281.1).